The following is an entry in ClinVar:

ClinVar aggregate classification (germline): Likely benign. Review status: criteria provided, multiple submitters, no conflicts (2 of 4 stars). 3 submissions from 3 submitters: Likely benign (3). Last evaluated 2025-01-13.

Conditions:
Peroxisome biogenesis disorder 12A (Zellweger). Also called: Peroxisome biogenesis disorder 12A. Identifiers: Orphanet 912, MedGen C3554002, MONDO:0013951, OMIM 614886.
PEX19-related disorder. Also called: PEX19-related condition.

Allele frequency attached by ClinVar (database versions not stated): ExAC 0.00001; gnomAD exomes 0.00001; gnomAD 0.00002 and 0.00003; TOPMed 0.00004.
gnomAD v4.1: 11 of 1,613,902 alleles (0.00068%); highest among the groups gnomAD compares: African/African-American, 0.004%; no homozygotes.

Submissions (3):

PreventionGenetics, part of Exact Sciences
Classification: Likely benign for PEX19-related condition. Last evaluated: 2025-01-13. Review status: criteria provided, single submitter. Criteria: ACMG Guidelines, 2015. Collection method: clinical testing. Allele origin: germline.
Comment: This variant is classified as likely benign based on ACMG/AMP sequence variant interpretation guidelines (Richards et al. 2015 PMID: 25741868, with internal and published modifications).

Labcorp Genetics (formerly Invitae), Labcorp
Classification: Likely benign for Peroxisome biogenesis disorder 12A (Zellweger). Last evaluated: 2024-07-20. Review status: criteria provided, single submitter. Criteria: Invitae Variant Classification Sherloc (09022015). Collection method: clinical testing. Allele origin: germline.

Blueprint Genetics
Classification: Likely benign. Last evaluated: 2021-12-21. Review status: criteria provided, single submitter. Criteria: ACMG Guidelines, 2015. Collection method: clinical testing. Allele origin: germline.

NM_002857.4(PEX19):c.225C>T (p.Phe75=)

Gene: PEX19 (peroxisomal biogenesis factor 19; minus strand). Cytogenetic location: 1q23.2.
Variant type: single nucleotide variant.
Coding change: c.225C>T on transcript NM_002857.4 (MANE Select); coding-DNA position 225, C replaced by T.
Protein change: p.Phe75=; no amino-acid change (phenylalanine 75 retained).
Molecular consequence: synonymous variant. On other transcripts: non-coding transcript variant (2).
Genome position (GRCh38, 1-based): chr1:160,283,065, G>A on the plus strand (C>T on the coding strand, the complement: PEX19 is on the minus strand). VCF-style: chr1-160283065-G-A. GRCh37 (hg19) VCF-style: chr1-160252855-G-A.
Other names: c.225C>T (NM_002857.3); c.225C>T, p.Phe75= (NM_001193644.1).
Identifiers: ClinVar variation 1531875 (VCV001531875.10), dbSNP rs751536744, ClinGen allele CA1197431.